The following is an entry in ClinVar:

NM_014014.5(SNRNP200):c.1462C>G (p.Leu488Val)

Gene: SNRNP200 (small nuclear ribonucleoprotein U5 subunit 200; minus strand). Cytogenetic location: 2q11.2.
Variant type: single nucleotide variant.
Coding change: c.1462C>G on transcript NM_014014.5 (MANE Select); coding-DNA position 1462, C replaced by G.
Protein change: p.Leu488Val; replaces leucine 488 with valine.
Molecular consequence: missense variant.
Genome position (GRCh38, 1-based): chr2:96,296,986, G>C on the plus strand (C>G on the coding strand, the complement: SNRNP200 is on the minus strand). VCF-style: chr2-96296986-G-C. GRCh37 (hg19) VCF-style: chr2-96962724-G-C.
Other names: short protein forms L488V.
Identifiers: ClinVar variation 1909783 (VCV001909783.5), dbSNP rs771467567, ClinGen allele CA1778931.

ClinVar aggregate classification (germline): Uncertain significance (1 of 4 stars; one submission).

Allele frequency attached by ClinVar (database versions not stated): ExAC 0.00001; gnomAD exomes 0.00001.
gnomAD v4.1: 14 of 1,614,242 alleles (0.00087%); highest among the groups gnomAD compares: Admixed American, 0.0033%; no homozygotes.

Submission:

Labcorp Genetics (formerly Invitae), Labcorp
Classification: Uncertain significance. Last evaluated: 2022-08-31. Review status: criteria provided, single submitter. Criteria: Invitae Variant Classification Sherloc (09022015). Collection method: clinical testing. Allele origin: germline.
Comment: This variant is present in population databases (rs771467567, gnomAD 0.003%). In summary, the available evidence is currently insufficient to determine the role of this variant in disease. Therefore, it has been classified as a Variant of Uncertain Significance. Algorithms developed to predict the effect of sequence changes on RNA splicing suggest that this variant may create or strengthen a splice site. Algorithms developed to predict the effect of missense changes on protein structure and function (SIFT, PolyPhen-2, Align-GVGD) all suggest that this variant is likely to be tolerated. This variant has not been reported in the literature in individuals affected with SNRNP200-related conditions. This sequence change replaces leucine, which is neutral and non-polar, with valine, which is neutral and non-polar, at codon 488 of the SNRNP200 protein (p.Leu488Val).